The following is an entry in ClinVar:

ClinVar aggregate classification (germline): Uncertain significance (1 of 4 stars; one submission).

Conditions:
3-hydroxy-3-methylglutaryl-CoA synthase deficiency (HMGCS2D). Also called: HMG-CoA synthase-2 deficiency; MITOCHONDRIAL HMG-CoA SYNTHASE DEFICIENCY; HMGCS2 DEFICIENCY. Identifiers: Orphanet 35701, MedGen C2751532, MONDO:0011614, OMIM 605911.

gnomAD v4.1: 6 of 1,614,032 alleles (0.00037%); highest among the groups gnomAD compares: East Asian, 0.013%; no homozygotes.

Submission:

Victorian Clinical Genetics Services, Murdoch Childrens Research Institute
Classification: Uncertain significance for 3-hydroxy-3-methylglutaryl-CoA synthase deficiency. Last evaluated: 2020-10-19. Review status: criteria provided, single submitter. Criteria: ACMG Guidelines, 2015. Collection method: clinical testing. Allele origin: germline. Inheritance: Autosomal recessive inheritance. Affected: yes.
Comment: Based on the classification scheme VCGS_Germline_v1.3.3, this variant is classified as VUS - 3B. Following criteria are met: 0102 - Loss of function is a known mechanism of disease in this gene and is associated with HMG-CoA synthase-2 deficiency. (I) 0106 - This gene is associated with autosomal recessive disease. (I) 0200 - Variant is predicted to result in a missense amino acid change from phenylalanine to leucine. (I) 0251 - This variant is heterozygous. (I) 0304 - Variant is present in gnomAD <0.01 for a recessive condition (4 heterozygotes, 0 homozygotes). (SP) 0502 - Missense variant with conflicting in silico predictions and uninformative conservation. (I) 0600 - Variant is located in the annotated hydroxymethylglutaryl-coenzyme A synthase C terminal domain (PDB) (I) 0710 - Another missense variant comparable to the one identified in this case has inconclusive previous evidence for pathogenicity. p.(Phe364Ile) has been reported as a variant of uncertain significance (ClinVar) (I) 0807 - This variant has no previous evidence of pathogenicity. (I) 0905 - No published segregation evidence has been identified for this variant. (I) 1007 - No published functional evidence has been identified for this variant. (I) 1208 - Inheritance information for this variant is not currently available in this individual. (I) Legend: (SP) - Supporting pathogenic, (I) - Information, (SB) - Supporting benign

NM_005518.4(HMGCS2):c.1092C>G (p.Phe364Leu)

Gene: HMGCS2 (3-hydroxy-3-methylglutaryl-CoA synthase 2; minus strand). Cytogenetic location: 1p12.
Variant type: single nucleotide variant.
Coding change: c.1092C>G on transcript NM_005518.4 (MANE Select); coding-DNA position 1092, C replaced by G.
Protein change: p.Phe364Leu; replaces phenylalanine 364 with leucine.
Molecular consequence: missense variant.
Genome position (GRCh38, 1-based): chr1:119,755,522, G>C on the plus strand (C>G on the coding strand, the complement: HMGCS2 is on the minus strand). VCF-style: chr1-119755522-G-C. GRCh37 (hg19) VCF-style: chr1-120298145-G-C.
Other names: c.966C>G, p.Phe322Leu (NM_001166107.1); short protein forms F322L, F364L.
Identifiers: ClinVar variation 1804971 (VCV001804971.1), dbSNP rs752639075, ClinGen allele CA1037683.